The following is an entry in ClinVar:

NM_000552.5(VWF):c.3614G>A (p.Arg1205His)

Gene: VWF (von Willebrand factor; minus strand). Cytogenetic location: 12p13.31.
Variant type: single nucleotide variant.
Coding change: c.3614G>A on transcript NM_000552.5 (MANE Select); coding-DNA position 3614, G replaced by A.
Protein change: p.Arg1205His; replaces arginine 1205 with histidine.
Molecular consequence: missense variant.
Genome position (GRCh38, 1-based): chr12:6,021,960, C>T on the plus strand (G>A on the coding strand, the complement: VWF is on the minus strand). VCF-style: chr12-6021960-C-T. GRCh37 (hg19) VCF-style: chr12-6131126-C-T.
Other names: p.R1205H; c.3614G>A (NM_000552.4); short protein forms R1205H.
Identifiers: ClinVar variation 308 (VCV000000308.19), dbSNP rs121964895, ClinGen allele CA114160.
Genomic context (GRCh38, chr12:6,021,960, plus strand): 5'-CAAATCTGGCAGTGCTCAGGGTCACTGGGATTCAAGGTGACTTTCTTTCCTGAGGCAAAA[C>T]GCCGGCCAGCCACCTCACACACTGGACAGTCTTCAGGGTCAACGCAGGTCTGCAAAAGCT-3'
Protein context (NP_000543.3, residues 1195-1215): DCPVCEVAGR[Arg1205His]FASGKKVTLN

ClinVar aggregate classification (germline): Pathogenic. Review status: criteria provided, multiple submitters, no conflicts (2 of 4 stars). 15 submissions from 13 submitters: Pathogenic (9). 6 of the submissions do not count toward it. Last evaluated 2025-09-16.

Conditions:
VWF-related disorder. Also called: VWF-related disorders; VWF-related condition.
Hereditary von Willebrand disease. Identifiers: Orphanet 903, MedGen C5703318, MONDO:0019565. Inheritance: Autosomal recessive or Autosomal dominant.
von Willebrand disease type 1 (VWD1). Also called: VWD, TYPE 1; VON WILLEBRAND DISEASE, TYPE I. Identifiers: Orphanet 166078, Orphanet 903, MedGen C1264039, MONDO:0008668, OMIM 193400. Inheritance: autosomal recessive or autosomal dominant.
von Willebrand factor Vicenza.
Reduced von Willebrand factor activity. Identifiers: MedGen C4024701, HP:0008330.
Reduced quantity of Von Willebrand factor. Identifiers: MedGen C4023022, HP:0012147.

Submissions 1 to 9 of 15:

3billion
Classification: Pathogenic for VWF-related disorder. Last evaluated: 2025-09-16. Review status: criteria provided, single submitter. Criteria: ACMG Guidelines, 2015. Collection method: clinical testing. Allele origin: germline. Affected: yes.
Comment: The variant is observed at an extremely low frequency in the gnomAD v4.1.0 dataset (total allele frequency: <0.001%). Predicted Consequence/Location: Missense variant In silico tool predictions suggest damaging effect of the variant on gene or gene product [REVEL: 0.23 (>=0.6, sensitivity 0.68 and specificity 0.92); 3Cnet: 0.78 (> 0.75, sensitivity 0.96 and precision 0.92)]. The same nucleotide change resulting in the same amino acid change has been previously reported as pathogenic/likely pathogenic with strong evidence (ClinVar ID: VCV000000308 /PMID: 10669167). The variant has been observed in multiple (>3) similarly affected unrelated individuals (PMID: 21711445, 30349898). Different missense changes at the same codon (p.Arg1205Cys, p.Arg1205Leu, p.Arg1205Ser) have been reported as pathogenic/likely pathogenic with strong evidence (ClinVar ID: VCV000100271, VCV000439332, VCV003338883 /PMID: 16321553, 18449422). Therefore, this variant is classified as Pathogenic according to the recommendation of ACMG/AMP guideline.

GeneDx
Classification: Pathogenic. Last evaluated: 2025-08-15. Review status: criteria provided, single submitter. Criteria: GeneDx Variant Classification Process June 2021. Collection method: clinical testing. Allele origin: germline. Affected: yes.
Comment: Published functional studies demonstrate a damaging effect on protein function (PMID: 25690668, 14613933); In silico analysis suggests that this missense variant does not alter protein structure/function; Not observed at significant frequency in large population cohorts (gnomAD); This variant is associated with the following publications: (PMID: 31064749, 33556167, 25690668, 14613933, 21346256, 10959712, 16459168, 16420565, 16925796, 28536718, 32581362, 21711445, 22102201, 10669167, 29578258, 24712919)

ARUP Laboratories, Molecular Genetics and Genomics, ARUP Laboratories
Classification: Pathogenic. Last evaluated: 2025-06-12. Review status: criteria provided, single submitter. Criteria: ARUP Molecular Germline Variant Investigation Process 2024. Collection method: clinical testing. Allele origin: germline.
Comment: The VWF c.3614G>A; p.Arg1205His variant (rs121964895, ClinVar Variation ID: 308), also known as VWF Vicenza, is reported in the literature in multiple individuals and families affected with Von Willebrand disease, described as both type 2M and type 1 (Ahmad 2014, Casonato 2006, Castaman 2000, Gezsi 2010, Lester 2006, Robertson 2011, Schneppenheim 2000, Woods 2011). This variant is also absent from the Genome Aggregation Database (v2.1.1), indicating it is not a common polymorphism. Additionally, other variants at this codon (c.3614G>T; p.Arg1205Leu; c.3613C>A; p.Arg1205Ser) have been reported in individuals with Von Willebrand disease and are considered disease causing (Millar 2008, Veyradier 2016). In vitro and in vivo functional analyses demonstrate increased clearance compared to wildtype VWF and reduction of VWF antigen (Lenting 2004, Pruss 2011). Computational analyses are uncertain whether this variant is neutral or deleterious (REVEL: 0.227). Based on available information, this variant is considered to be pathogenic. References: Ahmad F et al. Germline de novo mutations and linkage markers vs. DNA sequencing for carrier detection in von Willebrand disease. Haemophilia. 2014 Jul;20(4):e311-7. PMID: 24712919. Casonato A et al. Identifying type Vicenza von Willebrand disease. J Lab Clin Med. 2006 Feb;147(2):96-102. PMID: 16459168. Castaman G et al. An additional unique candidate mutation (G2470A; M740I) in the original families with von Willebrand disease type 2 M Vicenza and the G3864A (R1205H) mutation. Thromb Haemost. 2000 Aug;84(2):350-1. PMID: 10959712. Gezsi A et al. Accelerated clearance alone explains ultra-large multimers in von Willebrand disease Vicenza. J Thromb Haemost. 2010 Jun;8(6):1273-80. PMID: 20088930. Lenting PJ et al. An experimental model to study the in vivo survival of von Willebrand factor. Basic aspects and application to the R1205H mutation. J Biol Chem. 2004 Mar 26;279(13):12102-9. PMID: 14613933. Lester WA et al. Inherited and de novo von Willebrand disease 'Vicenza' in UK families with the R1205H mutation: diagnostic pitfalls and new insights. Br J Haematol. 2006 Oct;135(1):91-6. PMID: 16925796. Millar CM et al. Survival of von Willebrand factor released following DDAVP in a type 1 von Willebrand disease cohort: influence of glycosylation, proteolysis and gene mutations. Thromb Haemost. 2008 May;99(5):916-24. PMID: 18449422. Pruss CM et al. Pathologic mechanisms of type 1 VWD mutations R1205H and Y1584C through in vitro and in vivo mouse models. Blood. 2011 Apr 21;117(16):4358-66. PMID: 21346256. Robertson JD et al. Expanded phenotype-genotype correlations in a pediatric population with type 1 von Willebrand disease. J Thromb Haemost. 2011 Sep;9(9):1752-60. PMID: 21711445. Schneppenheim R et al. Von Willebrand Disease type 2M "Vicenza" in Italian and German patients: identification of the first candidate mutation (G3864A; R1205H) in 8 families. Thromb Haemost. 2000 Jan;83(1):136-40. PMID: 10669167. Veyradier A et al. A Laboratory Phenotype/Genotype Correlation of 1167 French Patients From 670 Families With von Willebrand Disease: A New Epidemiologic Picture. Medicine (Baltimore). 2016 Mar;95(11):e3038. PMID: 26986123. Woods AI et al. Diagnosis and management of von Willebrand disease in a single institution of Argentina. Semin Thromb Hemost. 2011 Jul;37(5):568-75. PMID: 22102201.

Laboratory of Genetics, Children's Clinical University Hospital Latvia
Classification: Pathogenic. Last evaluated: 2025-02-16. Review status: criteria provided, single submitter. Criteria: ACMG Guidelines, 2015. Collection method: clinical testing. Allele origin: germline. Affected: yes.

Quest Diagnostics Nichols Institute San Juan Capistrano
Classification: Pathogenic. Last evaluated: 2023-05-17. Review status: criteria provided, single submitter. Criteria: Quest Diagnostics criteria. Collection method: clinical testing. Allele origin: unknown.
Comment: In the published literature, this variant has been reported in multiple families with type 1 von Willebrand disease (VWD) (PMID: 11756169 (2002), 16870550 (2006), 17080221 (2006), 17190853 (2007), 33556167 (2021). This variant has also been reported to arise de novo (PMID: 16925796 (2006)). Functional studies report this variant results in increased clearance compared to wildtype VWF (PMID: 14613933 (2004), 16889557 (2006), 21346256 (2011)). This variant has not been reported in large, multi-ethnic general populations (Genome Aggregation Database).Based on the available information, this variant is classified as pathogenic.

Women's Health and Genetics/Laboratory Corporation of America, LabCorp
Classification: Pathogenic for von Willebrand disorder. Last evaluated: 2023-05-04. Review status: criteria provided, single submitter. Criteria: LabCorp Variant Classification Summary - May 2015. Collection method: clinical testing. Allele origin: germline.
Comment: Variant summary: VWF c.3614G>A (p.Arg1205His) results in a non-conservative amino acid change located in the von Willebrand factor, VWA N-terminal domain (IPR032361) of the encoded protein sequence. Three of five in-silico tools predict a damaging effect of the variant on protein function. The variant was absent in 251494 control chromosomes (gnomAD). c.3614G>A has been reported in the literature in multiple individuals affected with Von Willebrand Disease (example: Bowyer_2018 and Robertson_2011). These data indicate that the variant is very likely to be associated with disease. The following publications have been ascertained in the context of this evaluation (PMID: 30349898, 21711445). Three clinical diagnostic laboratories have submitted clinical-significance assessments for this variant to ClinVar after 2014 and all classified the variant as pathogenic. Based on the evidence outlined above, the variant was classified as pathogenic.

Laboratory of Hematology, Radboud University Medical Center
Classification: Pathogenic for von Willebrand disease type 1. Last evaluated: 2021-09-07. Review status: criteria provided, single submitter. Criteria: ACMG Guidelines, 2015. Collection method: research. Allele origin: germline. Affected: yes. Observed: 8 variant alleles. Study: WIN study.

NIHR Bioresource Rare Diseases, University of Cambridge
Classification: Pathogenic for von Willebrand disorder. Last evaluated: 2019-02-01. Review status: criteria provided, single submitter. Criteria: ACMG Guidelines, 2015. Collection method: research. Allele origin: unknown. Affected: yes. Observed: 3 heterozygotes. Study: ThromboGenomics.

Juno Genomics, Hangzhou Juno Genomics, Inc
Classification: Pathogenic for von Willebrand disease type 1. Review status: criteria provided, single submitter. Criteria: ACMG Guidelines, 2015. Collection method: clinical testing. Allele origin: germline. Affected: yes.
Comment: Absent from controls (or at extremely low frequency if recessive) in Genome Aggregation Database, Exome Sequencing Project, 1000 Genomes Project, or Exome Aggregation Consortium.;The prevalence of the variant in affected individuals is significantly increased compared to the prevalence in controls.;Assumed de novo, but without confirmation of paternity and maternity.;Patient's phenotype or family history is highly specific for a disease with a single genetic etiology.;Co-segregation with disease in multiple affected family members in a gene definitively known to cause the disease.